The following continues an entry in ClinVar:

NM_000784.4(CYP27A1):c.1183C>T (p.Arg395Cys)

Gene: CYP27A1. ClinVar aggregate classification (germline): Pathogenic/Likely pathogenic. Pathogenic (22); Likely pathogenic (1).

Submissions 23 to 30 of 30:

Unidad de Genómica Médica UC, Pontificia Universidad Católica de Chile
Classification: Pathogenic for Cholestanol storage disease. Last evaluated: 2014-04-07. Review status: criteria provided, single submitter. Criteria: Smalley et al. (Genet Mol Biol. 2015). Collection method: research. Allele origin: germline. Inheritance: Autosomal recessive inheritance. Affected: yes. Observed: 1 compound heterozygote.

Centre de Biologie Pathologie Génétique, Centre Hospitalier Universitaire de Lille
Classification: Uncertain significance for Intellectual disability. Last evaluated: 2019-01-01. Review status: no assertion criteria provided. Collection method: clinical testing. Allele origin: unknown. Affected: yes. Not counted in ClinVar's aggregate classification.

OMIM
Classification: Pathogenic for CEREBROTENDINOUS XANTHOMATOSIS. Last evaluated: 1991-04-25. Review status: no assertion criteria provided. Collection method: literature only. Allele origin: germline. Not counted in ClinVar's aggregate classification.

Clinical Genetics DNA and cytogenetics Diagnostics Lab, Erasmus MC, Erasmus Medical Center
Classification: Pathogenic. Review status: no assertion criteria provided. Collection method: clinical testing. Allele origin: germline. Affected: yes. Study: VKGL Data-share Consensus. Not counted in ClinVar's aggregate classification.

Clinical Genetics, Academic Medical Center
Classification: Pathogenic. Review status: no assertion criteria provided. Collection method: clinical testing. Allele origin: germline. Affected: yes. Study: VKGL Data-share Consensus. Not counted in ClinVar's aggregate classification.

Diagnostic Laboratory, Department of Genetics, University Medical Center Groningen
Classification: Pathogenic. Review status: no assertion criteria provided. Collection method: clinical testing. Allele origin: germline. Affected: yes. Study: VKGL Data-share Consensus. Not counted in ClinVar's aggregate classification.

GeneReviews
No classification provided. Condition: Cholestanol storage disease. Review status: no classification provided. Collection method: literature only. Allele origin: germline. Not counted in ClinVar's aggregate classification.
Comment: Founder variant in Israeli Druze [Falik-Zaccai et al 2008]

Joint Genome Diagnostic Labs from Nijmegen and Maastricht, Radboudumc and MUMC+
Classification: Pathogenic. Review status: no assertion criteria provided. Collection method: clinical testing. Allele origin: germline. Affected: yes. Study: VKGL Data-share Consensus. Not counted in ClinVar's aggregate classification.

Literature cited by the submitters: PubMed 27084087 (cited by Dasa and Women's Health and Genetics/Laboratory Corporation of America, LabCorp); PubMed 34234304 (cited by Dasa and Mayo Clinic Laboratories, Mayo Clinic); PubMed 31859899 (cited by Dasa and Ambry Genetics); PubMed 38249444 (cited by Dasa and Ambry Genetics); PubMed 2019602 (cited by 11 submitters); PubMed 17697869 (cited by 4 submitters); PubMed 10775536 (cited by 5 submitters); PubMed 12933951 (cited by Ambry Genetics and Eurofins Ntd Llc (ga)); PubMed 16157755 (cited by Ambry Genetics and Eurofins Ntd Llc (ga)); PubMed 25983621 (cited by 5 submitters); PubMed 26156051 (cited by 7 submitters); PubMed 28894950 (cited by Ambry Genetics and Mayo Clinic Laboratories, Mayo Clinic); PubMed 33659184 (cited by Ambry Genetics and Mayo Clinic Laboratories, Mayo Clinic); PubMed 33977023 (cited by Ambry Genetics and Mayo Clinic Laboratories, Mayo Clinic); PubMed 18227423 (cited by 4 submitters); PubMed 20402754 (cited by Labcorp Genetics (formerly Invitae), Labcorp and Eurofins Ntd Llc (ga)); PubMed 21645175 (cited by 5 submitters); PubMed 21955034 (cited by 3 submitters); PubMed 24746394 (cited by Labcorp Genetics (formerly Invitae), Labcorp and Illumina Laboratory Services, Illumina); PubMed 26906304 (cited by 4 submitters); PubMed 8950197 (cited by Labcorp Genetics (formerly Invitae), Labcorp and Variantyx, Inc.); PubMed 9790667 (cited by Labcorp Genetics (formerly Invitae), Labcorp and Variantyx, Inc.); PubMed 11181744 (cited by 3billion); PubMed 21404287 (cited by Natera, Inc.); PubMed 29260356 (cited by Mayo Clinic Laboratories, Mayo Clinic); PubMed 28324197 (cited by Victorian Clinical Genetics Services, Murdoch Childrens Research Institute); PubMed 24002088 (cited by Eurofins Ntd Llc (ga)); PubMed 25862734 (cited by Eurofins Ntd Llc (ga)); PubMed 19092443 (cited by GeneReviews); NCBI Bookshelf NBK1409 (cited by GeneReviews).